The following is an entry in ClinVar:

NM_004618.5(TOP3A):c.68G>T (p.Arg23Leu)

Genes: TOP3A (DNA topoisomerase III alpha; minus strand), LOC130060427 (ATAC-STARR-seq lymphoblastoid active region 11836; plus strand). Cytogenetic location: 17p11.2.
Variant type: single nucleotide variant.
Coding change: c.68G>T on transcript NM_004618.5 (MANE Select); coding-DNA position 68, G replaced by T.
Protein change: p.Arg23Leu; replaces arginine 23 with leucine.
Molecular consequence: missense variant. On other transcripts: 5 prime UTR variant (1).
Genome position (GRCh38, 1-based): chr17:18,314,711, C>A on the plus strand (G>T on the coding strand, the complement: TOP3A is on the minus strand). VCF-style: chr17-18314711-C-A. GRCh37 (hg19) VCF-style: chr17-18218025-C-A.
Other names: c.-144G>T (NM_001320759.2); short protein forms R23L.
Identifiers: ClinVar variation 2053690 (VCV002053690.4), dbSNP rs997490726, ClinGen allele CA288463662.

ClinVar aggregate classification (germline): Uncertain significance (1 of 4 stars; one submission).

Allele frequency attached by ClinVar (database versions not stated): TOPMed 0.00001.

Submission:

Labcorp Genetics (formerly Invitae), Labcorp
Classification: Uncertain significance. Last evaluated: 2024-08-12. Review status: criteria provided, single submitter. Criteria: Invitae Variant Classification Sherloc (09022015). Collection method: clinical testing. Allele origin: germline.
Comment: This sequence change replaces arginine, which is basic and polar, with leucine, which is neutral and non-polar, at codon 23 of the TOP3A protein (p.Arg23Leu). This variant is not present in population databases (gnomAD no frequency). This variant has not been reported in the literature in individuals affected with TOP3A-related conditions. ClinVar contains an entry for this variant (Variation ID: 2053690). An algorithm developed to predict the effect of missense changes on protein structure and function outputs the following: PolyPhen-2: "Benign". The leucine amino acid residue is found in multiple mammalian species, which suggests that this missense change does not adversely affect protein function. In summary, the available evidence is currently insufficient to determine the role of this variant in disease. Therefore, it has been classified as a Variant of Uncertain Significance.